The following is an entry in ClinVar:

ClinVar aggregate classification (germline): Uncertain significance. Review status: criteria provided, multiple submitters, no conflicts (2 of 4 stars). 2 submissions from 2 submitters: Uncertain significance (2). Last evaluated 2022-06-30.

Conditions:
Leigh syndrome (NULS). Also called: Leigh's necrotizing encephalopathy; Leigh's disease; Leigh Syndrome (mtDNA deletion); Leigh's syndrome; Leigh Disease; Subacute necrotizing encephalopathy. Identifiers: Orphanet 506, MedGen C2931891, MONDO:0009723, OMIM 256000.

Allele frequency attached by ClinVar (database versions not stated): gnomAD below 0.00001 and 0.00003; TOPMed 0.00002; ExAC 0.00026.
gnomAD v4.1: 187 of 1,614,038 alleles (0.012%); highest among the groups gnomAD compares: South Asian, 0.2%; 2 homozygotes.

Submissions (2):

Labcorp Genetics (formerly Invitae), Labcorp
Classification: Uncertain significance. Last evaluated: 2022-06-30. Review status: criteria provided, single submitter. Criteria: Invitae Variant Classification Sherloc (09022015). Collection method: clinical testing. Allele origin: germline.
Comment: This sequence change replaces aspartic acid, which is acidic and polar, with histidine, which is basic and polar, at codon 136 of the COX15 protein (p.Asp136His). This variant is present in population databases (rs766429756, gnomAD 0.2%). This variant has not been reported in the literature in individuals affected with COX15-related conditions. ClinVar contains an entry for this variant (Variation ID: 298417). Algorithms developed to predict the effect of missense changes on protein structure and function are either unavailable or do not agree on the potential impact of this missense change (SIFT: "Not Available"; PolyPhen-2: "Benign"; Align-GVGD: "Not Available"). In summary, the available evidence is currently insufficient to determine the role of this variant in disease. Therefore, it has been classified as a Variant of Uncertain Significance.

Illumina Laboratory Services, Illumina
Classification: Uncertain significance for Leigh syndrome. Last evaluated: 2018-01-13. Review status: criteria provided, single submitter. Criteria: ICSL Variant Classification Criteria 13 December 2019. Collection method: clinical testing. Allele origin: germline.

NM_078470.6(COX15):c.406G>C (p.Asp136His)

Gene: COX15 (cytochrome c oxidase assembly factor COX15; minus strand). Cytogenetic location: 10q24.2.
Variant type: single nucleotide variant.
Coding change: c.406G>C on transcript NM_078470.6 (MANE Select); coding-DNA position 406, G replaced by C.
Protein change: p.Asp136His; replaces aspartic acid 136 with histidine.
Molecular consequence: missense variant. On other transcripts: intron variant (1).
Genome position (GRCh38, 1-based): chr10:99,727,144, C>G on the plus strand (G>C on the coding strand, the complement: COX15 is on the minus strand). VCF-style: chr10-99727144-C-G. GRCh37 (hg19) VCF-style: chr10-101486901-C-G.
Other names: c.406G>C, p.Asp136His (NM_001320974.2, NM_001320975.2, NM_001372024.1 and 5 more transcripts); c.-59-73G>C (NM_001320976.2); short protein forms D136H.
Identifiers: ClinVar variation 298417 (VCV000298417.6), dbSNP rs766429756, ClinGen allele CA5642269.